The following is an entry in ClinVar:

NM_025233.7(COASY):c.1406T>C (p.Ile469Thr)

Gene: COASY (Coenzyme A synthase; plus strand). Cytogenetic location: 17q21.2.
Variant type: single nucleotide variant.
Coding change: c.1406T>C on transcript NM_025233.7 (MANE Select); coding-DNA position 1406, T replaced by C.
Protein change: p.Ile469Thr; replaces isoleucine 469 with threonine.
Molecular consequence: missense variant.
Genome position (GRCh38, 1-based): chr17:42,565,489, T>C. VCF-style: chr17-42565489-T-C. GRCh37 (hg19) VCF-style: chr17-40717507-T-C.
Other names: c.1406T>C, p.Ile469Thr (NM_001042529.3); c.1493T>C, p.Ile498Thr (NM_001042532.4); c.1493T>C (NM_001042532.2); c.1406T>C (NM_025233.6); short protein forms I469T, I498T.
Identifiers: ClinVar variation 1425451 (VCV001425451.7), dbSNP rs370378776, ClinGen allele CA8578330.
Genomic context (GRCh38, chr17:42,565,489, plus strand): 5'-AGAACGTCGGCACTGCTGGCGGTGACTGGGGTCTCCCCACAGGAAAGCGTGTGTGTGTGA[T>C]TGATGCCGCTGTGTTGCTTGAAGCCGGCTGGCAGAACCTGGTCCATGAGGTGTGGACTGC-3'
Protein context (NP_079509.5, residues 459-479): AVAEGKRVCV[Ile469Thr]DAAVLLEAGW

ClinVar aggregate classification (germline): Uncertain significance. Review status: criteria provided, multiple submitters, no conflicts (2 of 4 stars). 3 submissions from 3 submitters: Uncertain significance (3). Last evaluated 2025-08-13.

Conditions:
Neurodegeneration with brain iron accumulation 6 (NBIA6). Also called: COASY protein-associated neurodegeneration. Identifiers: Orphanet 397725, MedGen C4517377, MONDO:0014290, OMIM 615643.

Allele frequency attached by ClinVar (database versions not stated): TOPMed 0.00002; gnomAD 0.00003; ESP Exome Variant Server 0.00008; ExAC 0.00002; gnomAD exomes 0.00004 and 0.00003.
gnomAD v4.1: 68 of 1,614,056 alleles (0.0042%); highest among the groups gnomAD compares: Non-Finnish European, 0.0053%; no homozygotes.

Submissions (3):

Ambry Genetics
Classification: Uncertain significance. Last evaluated: 2025-08-13. Review status: criteria provided, single submitter. Criteria: Ambry Variant Classification Scheme 2023. Collection method: clinical testing. Allele origin: germline.

GeneDx
Classification: Uncertain significance. Last evaluated: 2025-08-05. Review status: criteria provided, single submitter. Criteria: GeneDx Variant Classification Process June 2021. Collection method: clinical testing. Allele origin: germline. Affected: yes.
Comment: Not observed at significant frequency in large population cohorts (gnomAD); In silico analysis supports that this missense variant has a deleterious effect on protein structure/function; Has not been previously published as pathogenic or benign to our knowledge; In silico analysis suggests this variant may impact gene splicing. In the absence of RNA/functional studies, the actual effect of this sequence change is unknown.

Labcorp Genetics (formerly Invitae), Labcorp
Classification: Uncertain significance for Neurodegeneration with brain iron accumulation 6. Last evaluated: 2021-11-27. Review status: criteria provided, single submitter. Criteria: Invitae Variant Classification Sherloc (09022015). Collection method: clinical testing. Allele origin: germline.
Comment: In summary, the available evidence is currently insufficient to determine the role of this variant in disease. Therefore, it has been classified as a Variant of Uncertain Significance. Algorithms developed to predict the effect of missense changes on protein structure and function are either unavailable or do not agree on the potential impact of this missense change (SIFT: "Deleterious"; PolyPhen-2: "Possibly Damaging"; Align-GVGD: "Class C0"). This variant has not been reported in the literature in individuals affected with COASY-related conditions. This variant is present in population databases (rs370378776, gnomAD 0.007%). This sequence change replaces isoleucine, which is neutral and non-polar, with threonine, which is neutral and polar, at codon 469 of the COASY protein (p.Ile469Thr).